The following is an entry in ClinVar:

ClinVar aggregate classification (germline): Uncertain significance. Review status: criteria provided, multiple submitters, no conflicts (2 of 4 stars). 2 submissions from 2 submitters: Uncertain significance (2). Last evaluated 2024-11-13.

Conditions:
Charcot-Marie-Tooth disease type 2. Also called: Charcot-Marie-Tooth type 2. Identifiers: Orphanet 64746, MedGen C0270914, MONDO:0018993.

Allele frequency attached by ClinVar (database versions not stated): gnomAD exomes below 0.00001.
gnomAD v4.1: 3 of 1,614,188 alleles (0.00019%); highest among the groups gnomAD compares: South Asian, 0.0022%; no homozygotes.

Submissions (2):

Labcorp Genetics (formerly Invitae), Labcorp
Classification: Uncertain significance for Charcot-Marie-Tooth disease type 2. Last evaluated: 2024-11-13. Review status: criteria provided, single submitter. Criteria: Invitae Variant Classification Sherloc (09022015). Collection method: clinical testing. Allele origin: germline.
Comment: This sequence change replaces serine, which is neutral and polar, with cysteine, which is neutral and slightly polar, at codon 1599 of the KIF1B protein (p.Ser1599Cys). This variant is not present in population databases (gnomAD no frequency). This variant has not been reported in the literature in individuals affected with KIF1B-related conditions. ClinVar contains an entry for this variant (Variation ID: 1743133). An algorithm developed to predict the effect of missense changes on protein structure and function (PolyPhen-2) suggests that this variant is likely to be disruptive. In summary, the available evidence is currently insufficient to determine the role of this variant in disease. Therefore, it has been classified as a Variant of Uncertain Significance.

Ambry Genetics
Classification: Uncertain significance. Last evaluated: 2024-10-05. Review status: criteria provided, single submitter. Criteria: Ambry Variant Classification Scheme 2023. Collection method: clinical testing. Allele origin: germline.
Comment: The p.S1599C variant (also known as c.4796C>G), located in coding exon 42 of the KIF1B gene, results from a C to G substitution at nucleotide position 4796. The serine at codon 1599 is replaced by cysteine, an amino acid with dissimilar properties. This amino acid position is highly conserved in available vertebrate species. In addition, this alteration is predicted to be tolerated by in silico analysis. Since supporting evidence is limited at this time, the clinical significance of this alteration remains unclear.

NM_001365951.3(KIF1B):c.4934C>G (p.Ser1645Cys)

Gene: KIF1B (kinesin family member 1B; plus strand). Cytogenetic location: 1p36.22.
Variant type: single nucleotide variant.
Coding change: c.4934C>G on transcript NM_001365951.3 (MANE Select); coding-DNA position 4934, C replaced by G.
Protein change: p.Ser1645Cys; replaces serine 1645 with cysteine.
Molecular consequence: missense variant.
Genome position (GRCh38, 1-based): chr1:10,371,250, C>G. VCF-style: chr1-10371250-C-G. GRCh37 (hg19) VCF-style: chr1-10431308-C-G.
Other names: c.4934C>G, p.Ser1645Cys (NM_001365952.1); c.4796C>G, p.Ser1599Cys (NM_015074.3); short protein forms S1599C, S1645C.
Identifiers: ClinVar variation 1743133 (VCV001743133.5), dbSNP rs2102358231, ClinGen allele CA338327923.